The following is an entry in ClinVar:

NM_000043.6(FAS):c.874G>C (p.Asp292His)

Gene: FAS (Fas cell surface death receptor; plus strand). Cytogenetic location: 10q23.31.
Variant type: single nucleotide variant.
Coding change: c.874G>C on transcript NM_000043.6 (MANE Select); coding-DNA position 874, G replaced by C.
Protein change: p.Asp292His; replaces aspartic acid 292 with histidine.
Molecular consequence: missense variant. On other transcripts: 3 prime UTR variant (2), non-coding transcript variant (7).
Genome position (GRCh38, 1-based): chr10:89,014,316, G>C. VCF-style: chr10-89014316-G-C. GRCh37 (hg19) VCF-style: chr10-90774073-G-C.
Other names: c.*197G>C (NM_001320619.2); c.919G>C, p.Asp307His (NM_001410956.1); c.811G>C, p.Asp271His (NM_152871.4); c.*186G>C (NM_152872.4); short protein forms D271H, D292H, D307H.
Identifiers: ClinVar variation 2801252 (VCV002801252.3), dbSNP rs763414304, ClinGen allele CA211335179.

ClinVar aggregate classification (germline): Uncertain significance (1 of 4 stars; one submission).

Conditions:
Autoimmune lymphoproliferative syndrome type 1. Also called: AUTOIMMUNE LYMPHOPROLIFERATIVE SYNDROME, TYPE I, AUTOSOMAL DOMINANT. Identifiers: Orphanet 3261, MedGen C2717884, MONDO:0011158, OMIM 601859.

Allele frequency attached by ClinVar (database versions not stated): TOPMed below 0.00001; gnomAD 0.00001; gnomAD exomes 0.00003.
gnomAD v4.1: 43 of 1,613,784 alleles (0.0027%); highest among the groups gnomAD compares: Non-Finnish European, 0.0035%; no homozygotes.

Submission:

Labcorp Genetics (formerly Invitae), Labcorp
Classification: Uncertain significance for Autoimmune lymphoproliferative syndrome. Last evaluated: 2022-10-27. Review status: criteria provided, single submitter. Criteria: Invitae Variant Classification Sherloc (09022015). Collection method: clinical testing. Allele origin: germline.
Comment: In summary, the available evidence is currently insufficient to determine the role of this variant in disease. Therefore, it has been classified as a Variant of Uncertain Significance. Algorithms developed to predict the effect of missense changes on protein structure and function output the following: SIFT: "Not Available"; PolyPhen-2: "Benign"; Align-GVGD: "Not Available". The histidine amino acid residue is found in multiple mammalian species, which suggests that this missense change does not adversely affect protein function. This variant has not been reported in the literature in individuals affected with FAS-related conditions. This variant is present in population databases (rs763414304, gnomAD 0.0009%). This sequence change replaces aspartic acid, which is acidic and polar, with histidine, which is basic and polar, at codon 292 of the FAS protein (p.Asp292His).